The following is an entry in ClinVar:

ClinVar aggregate classification (germline): Uncertain significance. Review status: criteria provided, multiple submitters, no conflicts (2 of 4 stars). 2 submissions from 2 submitters: Uncertain significance (2). Last evaluated 2026-02-01.

Submissions (2):

CeGaT Center for Human Genetics Tuebingen
Classification: Uncertain significance. Last evaluated: 2026-02-01. Review status: criteria provided, single submitter. Criteria: CeGaT Center For Human Genetics Tuebingen Variant Classification Criteria Version 2. Collection method: clinical testing. Allele origin: germline. Affected: yes. Observed: 1 variant allele.
Comment: COL9A1: PM2, BP4

GeneDx
Classification: Uncertain significance. Last evaluated: 2020-02-06. Review status: criteria provided, single submitter. Criteria: GeneDx Variant Classification Process June 2021. Collection method: clinical testing. Allele origin: germline. Affected: yes.
Comment: Has not been previously published as pathogenic or benign to our knowledge; Not observed in large population cohorts (Lek et al., 2016); In silico analysis supports that this missense variant has a deleterious effect on protein structure/function

NM_001851.6(COL9A1):c.560T>G (p.Val187Gly)

Gene: COL9A1 (collagen type IX alpha 1 chain; minus strand). Cytogenetic location: 6q13.
Variant type: single nucleotide variant.
Coding change: c.560T>G on transcript NM_001851.6 (MANE Select); coding-DNA position 560, T replaced by G.
Protein change: p.Val187Gly; replaces valine 187 with glycine.
Molecular consequence: missense variant.
Genome position (GRCh38, 1-based): chr6:70,294,303, A>C on the plus strand (T>G on the coding strand, the complement: COL9A1 is on the minus strand). VCF-style: chr6-70294303-A-C. GRCh37 (hg19) VCF-style: chr6-71004006-A-C.
Other names: c.560T>G, p.Val187Gly (NM_001377291.1); short protein forms V187G.
Identifiers: ClinVar variation 1316444 (VCV001316444.6), dbSNP rs2127605012, ClinGen allele CA364670917.